The following is an entry in ClinVar:

NM_001048174.2(MUTYH):c.1210C>G (p.Pro404Ala)

Gene: MUTYH (mutY DNA glycosylase; minus strand). Cytogenetic location: 1p34.1.
Variant type: single nucleotide variant.
Coding change: c.1210C>G on transcript NM_001048174.2 (MANE Select); coding-DNA position 1210, C replaced by G.
Protein change: p.Pro404Ala; replaces proline 404 with alanine.
Molecular consequence: missense variant. On other transcripts: non-coding transcript variant (7).
Genome position (GRCh38, 1-based): chr1:45,331,449, G>C on the plus strand (C>G on the coding strand, the complement: MUTYH is on the minus strand). VCF-style: chr1-45331449-G-C. GRCh37 (hg19) VCF-style: chr1-45797121-G-C.
Other names: c.1210C>G, p.Pro404Ala (NM_001407070.1, NM_001407072.1, NM_001407073.1 and 6 more transcripts); c.1213C>G, p.Pro405Ala (NM_001407071.1, NM_001048172.2, NM_001407078.1 and 1 more transcripts); c.1126C>G, p.Pro376Ala (NM_001407075.1); c.1243C>G, p.Pro415Ala (NM_001407077.1, NM_001293191.2, NM_001407069.1); c.934C>G, p.Pro312Ala (NM_001407091.1, NM_001293192.2, NM_001293196.2); c.1285C>G, p.Pro429Ala (NM_012222.3); c.1294C>G, p.Pro432Ala (NM_001128425.2); c.1255C>G, p.Pro419Ala (NM_001293190.2); and 5 more; short protein forms P289A, P376A, P391A, P429A, P390A, P415A, P405A, P418A.
Identifiers: ClinVar variation 4113156 (VCV004113156.1).

ClinVar aggregate classification (germline): Uncertain significance (1 of 4 stars; one submission).

Conditions:
Hereditary cancer-predisposing syndrome. Also called: Tumor predisposition; Neoplastic Syndromes, Hereditary; Hereditary neoplastic syndrome; Hereditary Cancer Syndrome. Identifiers: Orphanet 140162, MedGen C0027672, MeSH D009386, MONDO:0015356.

Submission:

Ambry Genetics
Classification: Uncertain significance for Hereditary cancer-predisposing syndrome. Last evaluated: 2025-08-27. Review status: criteria provided, single submitter. Criteria: Ambry Variant Classification Scheme 2023. Collection method: clinical testing. Allele origin: germline.
Comment: The p.P432A variant (also known as c.1294C>G), located in coding exon 13 of the MUTYH gene, results from a C to G substitution at nucleotide position 1294. The proline at codon 432 is replaced by alanine, an amino acid with highly similar properties. This amino acid position is conserved. In addition, the in silico prediction for this alteration is inconclusive. Based on the available evidence, the clinical significance of this variant remains unclear.